The following is an entry in ClinVar:

NM_139027.6(ADAMTS13):c.1874G>A (p.Arg625His)

Gene: ADAMTS13 (ADAM metallopeptidase with thrombospondin type 1 motif 13; plus strand). Cytogenetic location: 9q34.2.
Variant type: single nucleotide variant.
Coding change: c.1874G>A on transcript NM_139027.6 (MANE Select); coding-DNA position 1874, G replaced by A.
Protein change: p.Arg625His; replaces arginine 625 with histidine.
Molecular consequence: missense variant. On other transcripts: non-coding transcript variant (1).
Genome position (GRCh38, 1-based): chr9:133,440,431, G>A. VCF-style: chr9-133440431-G-A. GRCh37 (hg19) VCF-style: chr9-136305552-G-A.
Other names: c.1874G>A (NM_139025.3); c.1874G>A, p.Arg625His (NM_139025.5); c.1781G>A, p.Arg594His (NM_139026.6); short protein forms R625H, R594H.
Identifiers: ClinVar variation 262431 (VCV000262431.18), dbSNP rs36090624, ClinGen allele CA10587035.

ClinVar aggregate classification (germline): Benign/Likely benign. Review status: criteria provided, multiple submitters, no conflicts (2 of 4 stars). 5 submissions from 5 submitters: Benign (4); Likely benign (1). Last evaluated 2026-01-25.

Allele frequency attached by ClinVar (database versions not stated): gnomAD exomes 0.00199 and 0.00534; ExAC 0.00705; gnomAD 0.02034 and 0.02177; TOPMed 0.02304; 1000 Genomes Project 0.02436; ESP Exome Variant Server 0.02668; 1000 Genomes Project 30x 0.02780.
gnomAD v4.1: 6,099 of 1,613,770 alleles (0.38%); highest among the groups gnomAD compares: African/African-American, 7.1%; 195 homozygotes.

Submissions (5):

Labcorp Genetics (formerly Invitae), Labcorp
Classification: Benign. Last evaluated: 2026-01-25. Review status: criteria provided, single submitter. Criteria: Invitae Variant Classification Sherloc (09022015). Collection method: clinical testing. Allele origin: germline.

Mayo Clinic Laboratories, Mayo Clinic
Classification: Benign. Last evaluated: 2024-11-05. Review status: criteria provided, single submitter. Criteria: ACMG Guidelines, 2015. Collection method: clinical testing. Allele origin: germline. Observed: 153 variant alleles.
Comment: BA1, BS2

GeneDx
Classification: Benign. Last evaluated: 2020-02-17. Review status: criteria provided, single submitter. Criteria: GeneDx Variant Classification Process June 2021. Collection method: clinical testing. Allele origin: germline. Affected: yes.
Comment: This variant is associated with the following publications: (PMID: 25242241)

Breakthrough Genomics
Classification: Likely benign. Review status: criteria provided, single submitter. Criteria: ACMG Guidelines, 2015. Collection method: not provided. Allele origin: germline. Inheritance: Autosomal recessive inheritance. Affected: yes.

PreventionGenetics, part of Exact Sciences
Classification: Benign. Review status: criteria provided, single submitter. Criteria: ACMG Guidelines, 2015. Collection method: clinical testing. Allele origin: germline.

Literature cited by the submitters: PubMed 30046676 (cited by Mayo Clinic Laboratories, Mayo Clinic); PubMed 34646728 (cited by Mayo Clinic Laboratories, Mayo Clinic).